The following is an entry in ClinVar:

ClinVar aggregate classification (germline): Conflicting classifications of pathogenicity. Review status: criteria provided, conflicting classifications (1 of 4 stars). 2 submissions from 2 submitters: Uncertain significance (1); Likely benign (1). Last evaluated 2025-04-30.

Conditions:
Cardiac arrhythmia. Also called: Cardiac rhythm disease; Arrhythmia. Identifiers: MedGen C0003811, MONDO:0007263, HP:0011675.

Allele frequency attached by ClinVar (database versions not stated): gnomAD 0.00001; ExAC 0.00003.
gnomAD v4.1: 13 of 1,611,106 alleles (0.00081%); highest among the groups gnomAD compares: Non-Finnish European, 0.00093%; no homozygotes.

Submissions (2):

GeneDx
Classification: Uncertain significance. Last evaluated: 2025-04-30. Review status: criteria provided, single submitter. Criteria: GeneDx Variant Classification Process June 2021. Collection method: clinical testing. Allele origin: germline. Affected: yes.
Comment: In silico analysis indicates that this variant does not alter splicing; Has not been previously published as pathogenic or benign to our knowledge; Reported using an alternate transcript of the gene

Color Diagnostics, LLC DBA Color Health
Classification: Likely benign for Arrhythmia. Last evaluated: 2019-09-04. Review status: criteria provided, single submitter. Criteria: ACMG Guidelines, 2015. Collection method: clinical testing. Allele origin: germline.

NM_000238.4(KCNH2):c.2398+58C>G

Gene: KCNH2 (potassium voltage-gated channel subfamily H member 2; minus strand). Cytogenetic location: 7q36.1.
Variant type: single nucleotide variant.
Coding change: c.2398+58C>G on transcript NM_000238.4 (MANE Select); 58 bases into the intron after coding-DNA position 2398, C replaced by G.
Molecular consequence: intron variant. On other transcripts: missense variant (5).
Genome position (GRCh38, 1-based): chr7:150,950,110, G>C on the plus strand (C>G on the coding strand, the complement: KCNH2 is on the minus strand). VCF-style: chr7-150950110-G-C. GRCh37 (hg19) VCF-style: chr7-150647198-G-C.
Other names: c.1436C>G, p.Ala479Gly (NM_001204798.2); c.2279C>G, p.Ala760Gly (NM_001406755.1); c.2168C>G, p.Ala723Gly (NM_001406756.1); c.2156C>G, p.Ala719Gly (NM_001406757.1); c.2456C>G, p.Ala819Gly (NM_172056.3); c.1378+58C>G (NM_172057.3); short protein forms A479G, A819G, A719G, A760G, A723G.
Identifiers: ClinVar variation 927904 (VCV000927904.6), dbSNP rs774109163, ClinGen allele CA032337.
Genomic context (GRCh38, chr7:150,950,110, plus strand): 5'-CAGTGACCCTGCAGGCAGTCCCAGGTCCACAGCCCCAGTGACTGCATATTCAGAAGGCTC[G>C]CACCTCTTGAGGCTGCAGAGGGCATTTCCAGTCCAGTGCCCGCCCCCCACCCCATACCCA-3'